The following is an entry in ClinVar:

ClinVar aggregate classification (germline): Pathogenic (1 of 4 stars; one submission).

Conditions:
Androgen resistance syndrome (AIS). Also called: Androgen insensitivity syndrome; ANDROGEN RECEPTOR DEFICIENCY; DHTR DEFICIENCY; Androgen insensitivity syndrome due to coactivator deficiency; Androgen insensitivity; DIHYDROTESTOSTERONE RECEPTOR DEFICIENCY. Identifiers: Orphanet 754, Orphanet 99429, MedGen C0039585, MONDO:0019154, OMIM 300068. Disease mechanism: loss of function.
Kennedy disease (SMAX1). Also called: Spinal and Bulbar Muscular Atrophy; SPINAL AND BULBAR MUSCULAR ATROPHY, X-LINKED 1; KENNEDY SPINAL AND BULBAR MUSCULAR ATROPHY. Identifiers: Orphanet 481, MedGen C1839259, MONDO:0010735, OMIM 313200.

Submission:

Labcorp Genetics (formerly Invitae), Labcorp
Classification: Pathogenic for Kennedy disease; Androgen resistance syndrome. Last evaluated: 2020-02-19. Review status: criteria provided, single submitter. Criteria: Invitae Variant Classification Sherloc (09022015). Collection method: clinical testing. Allele origin: germline.
Comment: This sequence change creates a premature translational stop signal (p.Gln62*) in the AR gene. It is expected to result in an absent or disrupted protein product. This variant is not present in population databases (ExAC no frequency). This variant has not been reported in the literature in individuals with AR-related conditions. Loss-of-function variants in AR are known to be pathogenic (PMID: 19463997). For these reasons, this variant has been classified as Pathogenic.

Literature cited by the submitters: PubMed 19463997.

NM_000044.6(AR):c.183_184insTAG (p.Gln62Ter)

Genes: AR (androgen receptor; plus strand), LOC109504725 (androgen receptor repeat instability region; plus strand). Cytogenetic location: Xq12.
Variant type: Insertion.
Coding change: c.183_184insTAG on transcript NM_000044.6 (MANE Select); coding-DNA positions 183 to 184, TAG inserted.
Protein change: p.Gln62Ter; replaces glutamine 62 with a stop codon.
Molecular consequence: nonsense. On other transcripts: 5 prime UTR variant (1).
Genome position: GRCh38 VCF-style: chrX-67545327-C-CAGT. GRCh37 (hg19) VCF-style: chrX-66765169-C-CAGT.
Other names: c.-1601_-1600insTAG (NM_001011645.3); c.183_184insTAG, p.Gln62Ter (NM_001348061.1, NM_001348063.1, NM_001348064.1); short protein forms Q62*.
Identifiers: ClinVar variation 846244 (VCV000846244.7), dbSNP rs1929660142, ClinGen allele CA916083961.